The following is an entry in ClinVar:

NM_032228.6(FAR1):c.998A>G (p.Gln333Arg)

Gene: FAR1 (fatty acyl-CoA reductase 1; plus strand). Cytogenetic location: 11p15.3.
Variant type: single nucleotide variant.
Coding change: c.998A>G on transcript NM_032228.6 (MANE Select); coding-DNA position 998, A replaced by G.
Protein change: p.Gln333Arg; replaces glutamine 333 with arginine.
Molecular consequence: missense variant.
Genome position (GRCh38, 1-based): chr11:13,714,551, A>G. VCF-style: chr11-13714551-A-G. GRCh37 (hg19) VCF-style: chr11-13736098-A-G.
Other names: short protein forms Q333R.
Identifiers: ClinVar variation 2877481 (VCV002877481.3), dbSNP rs1848534652, ClinGen allele CA379858318.

ClinVar aggregate classification (germline): Uncertain significance (1 of 4 stars; one submission).

Allele frequency attached by ClinVar (database versions not stated): gnomAD exomes below 0.00001; gnomAD 0.00001; TOPMed 0.00001.

Submission:

Labcorp Genetics (formerly Invitae), Labcorp
Classification: Uncertain significance. Last evaluated: 2026-01-24. Review status: criteria provided, single submitter. Criteria: Invitae Variant Classification Sherloc (09022015). Collection method: clinical testing. Allele origin: germline.
Comment: This sequence change replaces glutamine, which is neutral and polar, with arginine, which is basic and polar, at codon 333 of the FAR1 protein (p.Gln333Arg). This variant is not present in population databases (gnomAD no frequency). This variant has not been reported in the literature in individuals affected with FAR1-related conditions. ClinVar contains an entry for this variant (Variation ID: 2877481). Invitae Evidence Modeling of protein sequence and biophysical properties (such as structural, functional, and spatial information, amino acid conservation, physicochemical variation, residue mobility, and thermodynamic stability) indicates that this missense variant is not expected to disrupt FAR1 protein function with a negative predictive value of 80%. In summary, the available evidence is currently insufficient to determine the role of this variant in disease. Therefore, it has been classified as a Variant of Uncertain Significance.